The following is an entry in ClinVar:

ClinVar aggregate classification (germline): Uncertain significance. Review status: criteria provided, multiple submitters, no conflicts (2 of 4 stars). 3 submissions from 3 submitters: Uncertain significance (3). Last evaluated 2025-08-21.

Conditions:
Inborn genetic diseases. Identifiers: MedGen C0950123, MeSH D030342.

Allele frequency attached by ClinVar (database versions not stated): ExAC 0.00001; gnomAD exomes 0.00001.
gnomAD v4.1: 9 of 1,613,308 alleles (0.00056%); highest among the groups gnomAD compares: South Asian, 0.0077%; no homozygotes.

Submissions (3):

Ambry Genetics
Classification: Uncertain significance for Inborn genetic diseases. Last evaluated: 2025-08-21. Review status: criteria provided, single submitter. Criteria: Ambry Variant Classification Scheme 2023. Collection method: clinical testing. Allele origin: germline.

Labcorp Genetics (formerly Invitae), Labcorp
Classification: Uncertain significance. Last evaluated: 2025-08-12. Review status: criteria provided, single submitter. Criteria: Invitae Variant Classification Sherloc (09022015). Collection method: clinical testing. Allele origin: germline.
Comment: This sequence change replaces valine, which is neutral and non-polar, with alanine, which is neutral and non-polar, at codon 1337 of the SAMD9 protein (p.Val1337Ala). This variant is present in population databases (rs779219130, gnomAD 0.007%). This variant has not been reported in the literature in individuals affected with SAMD9-related conditions. ClinVar contains an entry for this variant (Variation ID: 1939158). Invitae Evidence Modeling of protein sequence and biophysical properties (such as structural, functional, and spatial information, amino acid conservation, physicochemical variation, residue mobility, and thermodynamic stability) indicates that this missense variant is not expected to disrupt SAMD9 protein function with a negative predictive value of 95%. In summary, the available evidence is currently insufficient to determine the role of this variant in disease. Therefore, it has been classified as a Variant of Uncertain Significance.

GeneDx
Classification: Uncertain significance. Last evaluated: 2024-05-10. Review status: criteria provided, single submitter. Criteria: GeneDx Variant Classification Process June 2021. Collection method: clinical testing. Allele origin: germline. Affected: yes.
Comment: Not observed at significant frequency in large population cohorts (gnomAD); In silico analysis indicates that this missense variant does not alter protein structure/function; Has not been previously published as pathogenic or benign to our knowledge

NM_017654.4(SAMD9):c.4010T>C (p.Val1337Ala)

Gene: SAMD9 (sterile alpha motif domain containing 9; minus strand). Cytogenetic location: 7q21.2.
Variant type: single nucleotide variant.
Coding change: c.4010T>C on transcript NM_017654.4 (MANE Select); coding-DNA position 4010, T replaced by C.
Protein change: p.Val1337Ala; replaces valine 1337 with alanine.
Molecular consequence: missense variant.
Genome position (GRCh38, 1-based): chr7:93,102,088, A>G on the plus strand (T>C on the coding strand, the complement: SAMD9 is on the minus strand). VCF-style: chr7-93102088-A-G. GRCh37 (hg19) VCF-style: chr7-92731401-A-G.
Other names: c.4010T>C, p.Val1337Ala (NM_001193307.2); c.4010T>C (NM_017654.3); short protein forms V1337A.
Identifiers: ClinVar variation 1939158 (VCV001939158.6), dbSNP rs779219130, ClinGen allele CA4342609.